The following is an entry in ClinVar:

NM_032043.3(BRIP1):c.914A>C (p.Lys305Thr)

Gene: BRIP1 (BRCA1 interacting DNA helicase 1; minus strand). Cytogenetic location: 17q23.2.
Variant type: single nucleotide variant.
Coding change: c.914A>C on transcript NM_032043.3 (MANE Select); coding-DNA position 914, A replaced by C.
Protein change: p.Lys305Thr; replaces lysine 305 with threonine.
Molecular consequence: missense variant.
Genome position (GRCh38, 1-based): chr17:61,808,471, T>G on the plus strand (A>C on the coding strand, the complement: BRIP1 is on the minus strand). VCF-style: chr17-61808471-T-G. GRCh37 (hg19) VCF-style: chr17-59885832-T-G.
Other names: short protein forms K305T.
Identifiers: ClinVar variation 2930328 (VCV002930328.3), dbSNP rs2145410587, ClinGen allele CA400484642.
Genomic context (GRCh38, chr17:61,808,471, plus strand): 5'-GTAATTTAAATATTTTCAGCCTTATTTTTTCTCTAACACAAAATAACTTTACTCACGTTT[T>G]TCCCATCTAGCAATTCCATGCACTTCTCATTTCTGTTGAAGTTACCGACTACCTCAGGAT-3'
Protein context (NP_114432.2, residues 295-315): NEKCMELLDG[Lys305Thr]NGKSCYFYHG

ClinVar aggregate classification (germline): Uncertain significance (1 of 4 stars; one submission).

Conditions:
Fanconi anemia complementation group J. Also called: BRIP1-Related Fanconi Anemia. Identifiers: Orphanet 84, MedGen C1836860, MONDO:0012187, OMIM 609054.
Familial cancer of breast. Also called: Hereditary breast cancer; hereditary breast carcinoma; BREAST CANCER, FAMILIAL. Identifiers: Orphanet 227535, MedGen C0346153, MONDO:0016419, OMIM 114480. Disease mechanism: loss of function.

Submission:

Labcorp Genetics (formerly Invitae), Labcorp
Classification: Uncertain significance for Familial cancer of breast; Fanconi anemia complementation group J. Last evaluated: 2025-03-10. Review status: criteria provided, single submitter. Criteria: Invitae Variant Classification Sherloc (09022015). Collection method: clinical testing. Allele origin: germline.
Comment: This sequence change replaces lysine, which is basic and polar, with threonine, which is neutral and polar, at codon 305 of the BRIP1 protein (p.Lys305Thr). This variant is not present in population databases (gnomAD no frequency). This variant has not been reported in the literature in individuals affected with BRIP1-related conditions. ClinVar contains an entry for this variant (Variation ID: 2930328). Invitae Evidence Modeling of protein sequence and biophysical properties (such as structural, functional, and spatial information, amino acid conservation, physicochemical variation, residue mobility, and thermodynamic stability) has been performed for this missense variant. However, the output from this modeling did not meet the statistical confidence thresholds required to predict the impact of this variant on BRIP1 protein function. In summary, the available evidence is currently insufficient to determine the role of this variant in disease. Therefore, it has been classified as a Variant of Uncertain Significance.